The following is an entry in ClinVar:

NM_022124.6(CDH23):c.5734C>T (p.Arg1912Trp)

Gene: CDH23 (cadherin related 23; plus strand). Cytogenetic location: 10q22.1.
Variant type: single nucleotide variant.
Coding change: c.5734C>T on transcript NM_022124.6 (MANE Select); coding-DNA position 5734, C replaced by T.
Protein change: p.Arg1912Trp; replaces arginine 1912 with tryptophan.
Molecular consequence: missense variant.
Genome position (GRCh38, 1-based): chr10:71,785,652, C>T. VCF-style: chr10-71785652-C-T. GRCh37 (hg19) VCF-style: chr10-73545409-C-T.
Other names: short protein forms R1912W.
Identifiers: ClinVar variation 45991 (VCV000045991.12), dbSNP rs397517344, ClinGen allele CA137505.
Genomic context (GRCh38, chr10:71,785,652, plus strand): 5'-AAAAGGTCTCCATGCAGCTCACCACCCTCCACATCCCAGACAGGGATCGTCACTGTGAAC[C>T]GGCCCCTGGACCGCGAGCGGATCCCAGAGTACAAGCTGACCATTTCTGTGAAGGACAACC-3'
Protein context (NP_071407.4, residues 1902-1922): NATTGIVTVN[Arg1912Trp]PLDRERIPEY

ClinVar aggregate classification (germline): Conflicting classifications of pathogenicity. Review status: criteria provided, conflicting classifications (1 of 4 stars). 5 submissions from 5 submitters: Likely pathogenic (1); Uncertain significance (3). 1 of the submissions does not count toward it. Last evaluated 2024-06-06.

Conditions:
Usher syndrome type 1 (USH1). Also called: RETINITIS PIGMENTOSA AND CONGENITAL DEAFNESS. Identifiers: Orphanet 231169, Orphanet 886, MedGen C1568247, MONDO:0010168, OMIM 276900.
Hearing impairment. Also called: Impaired Hearing. Identifiers: MedGen C1384666, MONDO:0005365, HP:0000365.

Allele frequency attached by ClinVar (database versions not stated): ExAC 0.00003; gnomAD exomes 0.00003 and 0.00004; gnomAD 0.00007 and 0.00008; TOPMed 0.00008.
gnomAD v4.1: 70 of 1,603,538 alleles (0.0044%); highest among the groups gnomAD compares: Non-Finnish European, 0.0053%; no homozygotes.

Submissions (5):

Blueprint Genetics
Classification: Uncertain significance. Last evaluated: 2024-06-06. Review status: criteria provided, single submitter. Criteria: ACMG Guidelines, 2015. Collection method: clinical testing. Allele origin: germline.

Labcorp Genetics (formerly Invitae), Labcorp
Classification: Uncertain significance. Last evaluated: 2022-10-17. Review status: criteria provided, single submitter. Criteria: Invitae Variant Classification Sherloc (09022015). Collection method: clinical testing. Allele origin: germline.
Comment: This sequence change replaces arginine, which is basic and polar, with tryptophan, which is neutral and slightly polar, at codon 1912 of the CDH23 protein (p.Arg1912Trp). This variant is present in population databases (rs397517344, gnomAD 0.005%). This variant has not been reported in the literature in individuals affected with CDH23-related conditions. ClinVar contains an entry for this variant (Variation ID: 45991). Advanced modeling of protein sequence and biophysical properties (such as structural, functional, and spatial information, amino acid conservation, physicochemical variation, residue mobility, and thermodynamic stability) performed at Invitae indicates that this missense variant is not expected to disrupt CDH23 protein function. In summary, the available evidence is currently insufficient to determine the role of this variant in disease. Therefore, it has been classified as a Variant of Uncertain Significance.

Department of Otolaryngology – Head & Neck Surgery, Cochlear Implant Center
Classification: Likely pathogenic for Hearing impairment. Last evaluated: 2021-04-12. Review status: criteria provided, single submitter. Criteria: ClinGen HL ACMG Specifications v1. Collection method: clinical testing. Allele origin: germline. Affected: yes.
Comment: PS1_Strong, PM2_Moderate, PP3_Supporting

Laboratory for Molecular Medicine, Mass General Brigham Personalized Medicine
Classification: Uncertain significance. Last evaluated: 2012-03-13. Review status: criteria provided, single submitter. Criteria: LMM Criteria. Collection method: clinical testing. Allele origin: germline. Observed: 2 variant alleles.
Comment: Variant classified as Uncertain Significance - Favor Benign. The Arg1912Trp vari ant in CDH23 was identified as a homozygous variant in a patient who was also ho mozygous for the Gly2017Ser variant (Oshima 2008). This suggests that the two v ariants are in cis as observed in this family. Computational analyses (biochemic al amino acid properties, homology, PolyPhen2, SIFT, AlignGVGD) do not provide s trong support for or against pathogenicity and given the predicted splice impact of the Gly2017Ser variant, the Arg1912Trp variant may not contribute to pathoge nicity of the allele. In summary, the clinical significance of this variant in i solation cannot be determined with certainty; however, the allele containing thi s variant and Gly2017Ser, is still likely pathogenic.

Natera, Inc.
Classification: Uncertain significance for Usher syndrome type 1. Last evaluated: 2020-07-13. Review status: no assertion criteria provided. Collection method: clinical testing. Allele origin: germline. Not counted in ClinVar's aggregate classification.

Literature cited by the submitters: PubMed 18429043 (cited by Department of Otolaryngology – Head & Neck Surgery, Cochlear Implant Center and Laboratory for Molecular Medicine, Mass General Brigham Personalized Medicine).